The following is an entry in ClinVar:

NM_000141.5(FGFR2):c.1141T>C (p.Tyr381His)

Gene: FGFR2 (fibroblast growth factor receptor 2; minus strand). Cytogenetic location: 10q26.13.
Variant type: single nucleotide variant.
Coding change: c.1141T>C on transcript NM_000141.5 (MANE Select); coding-DNA position 1141, T replaced by C.
Protein change: p.Tyr381His; replaces tyrosine 381 with histidine.
Molecular consequence: missense variant. On other transcripts: non-coding transcript variant (1), intron variant (1).
Genome position (GRCh38, 1-based): chr10:121,515,263, A>G on the plus strand (T>C on the coding strand, the complement: FGFR2 is on the minus strand). VCF-style: chr10-121515263-A-G. GRCh37 (hg19) VCF-style: chr10-123274777-A-G.
Other names: c.1144T>C, p.Tyr382His (NM_001144913.1, NM_022970.4); c.805T>C, p.Tyr269His (NM_001144914.1); c.874T>C, p.Tyr292His (NM_001144915.2, NM_023029.3); c.796T>C, p.Tyr266His (NM_001144916.2, NM_001144918.2); c.877T>C, p.Tyr293His (NM_001144919.2); c.457T>C, p.Tyr153His (NM_001320654.2); c.1141T>C, p.Tyr381His (NM_001320658.2); c.939+4716T>C (NM_001144917.2); short protein forms Y381H, Y382H, Y266H, Y292H, Y153H, Y269H, Y293H.
Identifiers: ClinVar variation 376316 (VCV000376316.2), dbSNP rs387906678, ClinGen allele CA16602762.

ClinVar aggregate classification (germline): Likely pathogenic (1 of 4 stars; one submission).

Submission:

GeneDx
Classification: Likely pathogenic. Last evaluated: 2022-11-28. Review status: criteria provided, single submitter. Criteria: GeneDx Variant Classification Process June 2021. Collection method: clinical testing. Allele origin: germline. Affected: yes.
Comment: Not observed at significant frequency in large population cohorts (gnomAD); In silico analysis supports that this missense variant has a deleterious effect on protein structure/function; Has not been previously published as pathogenic or benign to our knowledge